The following is an entry in ClinVar:

ClinVar aggregate classification (germline): Likely benign (1 of 4 stars; one submission).

gnomAD v4.1: 22 of 1,612,656 alleles (0.0014%); highest among the groups gnomAD compares: Non-Finnish European, 0.0019%; no homozygotes.

Submission:

Mayo Clinic Laboratories, Mayo Clinic
Classification: Likely benign. Last evaluated: 2025-11-13. Review status: criteria provided, single submitter. Criteria: ACMG Guidelines, 2015. Collection method: clinical testing. Allele origin: germline. Observed: 1 variant allele.
Comment: BS2, BP4

NM_022168.4(IFIH1):c.1414A>G (p.Lys472Glu)

Gene: IFIH1 (interferon induced with helicase C domain 1; minus strand). Cytogenetic location: 2q24.2.
Variant type: single nucleotide variant.
Coding change: c.1414A>G on transcript NM_022168.4 (MANE Select); coding-DNA position 1414, A replaced by G.
Protein change: p.Lys472Glu; replaces lysine 472 with glutamic acid.
Molecular consequence: missense variant.
Genome position (GRCh38, 1-based): chr2:162,281,438, T>C on the plus strand (A>G on the coding strand, the complement: IFIH1 is on the minus strand). VCF-style: chr2-162281438-T-C. GRCh37 (hg19) VCF-style: chr2-163137948-T-C.
Other names: p.Lys472Glu; short protein forms K472E.
Identifiers: ClinVar variation 4684592 (VCV004684592.1).
Genomic context (GRCh38, chr2:162,281,438, plus strand): 5'-CAGGTGAAGCTGTTAGTCCCAGTATCTGAGGAAGGGGAATCACTGGTTTGTTTTCTTTCT[T>C]GAGTCTATTGTTTTTCAACTTCTGCATCAAATAATGCCTCATGATGTTATTATACACTGC-3'
Protein context (NP_071451.2, residues 462-482): LMQKLKNNRL[Lys472Glu]KENKPVIPLP